The following is an entry in ClinVar:

ClinVar aggregate classification (germline): Benign/Likely benign. Review status: criteria provided, multiple submitters, no conflicts (2 of 4 stars). 5 submissions from 4 submitters: Benign (4); Likely benign (1). Last evaluated 2023-02-08.

Conditions:
Autosomal recessive limb-girdle muscular dystrophy type 2F (LGMDR6). Also called: MUSCULAR DYSTROPHY, LIMB-GIRDLE, AUTOSOMAL RECESSIVE 6; Muscular dystrophy limb-girdle with delta-sarcoglyan deficiency. Identifiers: Orphanet 219, MedGen C1832525, MONDO:0011028, OMIM 601287. Disease mechanism: Affects gamma-sarcoglycan and also disrupts the integrity of the entire sarcoglycan complex..
Qualitative or quantitative defects of delta-sarcoglycan. Identifiers: Orphanet 207070, MedGen C5680806, MONDO:0016144.
Dilated cardiomyopathy 1L (CMD1L). Identifiers: Orphanet 154, MedGen C1847667, MONDO:0011702, OMIM 606685.

Allele frequency attached by ClinVar (database versions not stated): gnomAD exomes 0.04167; gnomAD 0.08456 and 0.08674; TOPMed 0.09423; 1000 Genomes Project 0.10024; 1000 Genomes Project 30x 0.10322.
gnomAD v4.1: 12,840 of 152,628 alleles (8.4%); highest among the groups gnomAD compares: African/African-American, 19%; 913 homozygotes.

Submissions (5):

Genome-Nilou Lab
Classification: Benign for Autosomal recessive limb-girdle muscular dystrophy type 2F. Last evaluated: 2023-02-08. Review status: criteria provided, single submitter. Criteria: ACMG Guidelines, 2015. Collection method: clinical testing. Allele origin: germline.

Genome-Nilou Lab
Classification: Benign for Dilated cardiomyopathy 1L. Last evaluated: 2023-02-08. Review status: criteria provided, single submitter. Criteria: ACMG Guidelines, 2015. Collection method: clinical testing. Allele origin: germline.

GeneDx
Classification: Benign. Last evaluated: 2021-05-20. Review status: criteria provided, single submitter. Criteria: GeneDx Variant Classification Process June 2021. Collection method: clinical testing. Allele origin: germline. Affected: yes.

Illumina Laboratory Services, Illumina
Classification: Benign for Qualitative or quantitative defects of delta-sarcoglycan. Last evaluated: 2018-01-12. Review status: criteria provided, single submitter. Criteria: ICSL Variant Classification Criteria 13 December 2019. Collection method: clinical testing. Allele origin: germline.
Comment: This variant was observed in the ICSL laboratory as part of a predisposition screen in an ostensibly healthy population. It had not been previously curated by ICSL or reported in the Human Gene Mutation Database (HGMD: prior to June 1st, 2018), and was therefore a candidate for classification through an automated scoring system. Utilizing variant allele frequency, disease prevalence and penetrance estimates, and inheritance mode, an automated score was calculated to assess if this variant is too frequent to cause the disease. Based on the score and internal cut-off values, a variant classified as benign is not then subjected to further curation. The score for this variant resulted in a classification of benign for this disease.

Breakthrough Genomics
Classification: Likely benign. Review status: criteria provided, single submitter. Criteria: ACMG Guidelines, 2015. Collection method: not provided. Allele origin: germline. Inheritance: Autosomal recessive inheritance. Affected: yes.

NM_000337.6(SGCD):c.*3650G>T

Gene: SGCD (sarcoglycan delta; plus strand). Cytogenetic location: 5q33.3.
Variant type: single nucleotide variant.
Coding change: c.*3650G>T on transcript NM_000337.6 (MANE Select); 3650 bases downstream of the stop codon, G replaced by T.
Molecular consequence: 3 prime UTR variant.
Genome position (GRCh38, 1-based): chr5:156,763,040, G>T. VCF-style: chr5-156763040-G-T. GRCh37 (hg19) VCF-style: chr5-156190051-G-T.
Other names: c.*3650G>T (NM_001128209.2).
Identifiers: ClinVar variation 352372 (VCV000352372.10), dbSNP rs72803044, ClinGen allele CA10619794.